The following is an entry in ClinVar:

ClinVar aggregate classification (germline): Likely benign (1 of 4 stars; one submission).

Conditions:
Leigh syndrome (NULS). Also called: Leigh's necrotizing encephalopathy; Leigh's disease; Leigh Syndrome (mtDNA deletion); Leigh Disease; Subacute necrotizing encephalopathy; Necrotizing encephalopathy infantile subacute of Leigh. Identifiers: Orphanet 506, MedGen C2931891, MONDO:0009723, OMIM 256000.

Submission:

Wong Mito Lab, Molecular and Human Genetics, Baylor College of Medicine
Classification: Likely benign for Leigh syndrome. Last evaluated: 2019-10-17. Review status: criteria provided, single submitter. Criteria: Modified ACMG Guidelines (Unpublished). Collection method: clinical testing. Allele origin: germline.
Comment: The NC_012920.1:m.8489A>G (YP_003024030.1:p.Met42Val) variant in MTATP8 gene is interpretated to be a Likely Benign variant based on the modified ACMG guidelines (unpublished). This variant meets the following evidence codes: BS1, BP6

NC_012920.1(MT-ATP8):m.8489A>G

Gene: MT-ATP8 (mitochondrially encoded ATP synthase 8; plus strand).
Variant type: single nucleotide variant.
Genome position: chrM-8489-A-G.
Identifiers: ClinVar variation 692875 (VCV000692875.1), dbSNP rs1603221529, ClinGen allele CA414796317.